The following is an entry in ClinVar:

ClinVar aggregate classification (germline): Benign. Review status: criteria provided, multiple submitters, no conflicts (2 of 4 stars). 3 submissions from 3 submitters: Benign (3). Last evaluated 2024-11-27.

Conditions:
Hereditary spastic paraplegia 7 (SPG7). Also called: Spastic paraplegia 7; Hereditary spastic paraplegia Paraplegin type; SPASTIC PARAPLEGIA 7, AUTOSOMAL RECESSIVE, WITH OR WITHOUT CEREBELLAR ATAXIA; Autosomal recessive spastic paraplegia type 7; SPG7-related neurologic disorder. Identifiers: Orphanet 99013, MedGen C1846564, MONDO:0011803, OMIM 607259.

Submissions (3):

Blueprint Genetics
Classification: Benign. Last evaluated: 2024-11-27. Review status: criteria provided, single submitter. Criteria: ACMG Guidelines, 2015. Collection method: clinical testing. Allele origin: germline.

Molecular Genetics, Royal Melbourne Hospital
Classification: Benign for Hereditary spastic paraplegia 7. Last evaluated: 2023-05-04. Review status: criteria provided, single submitter. Criteria: ACMG Guidelines, 2015. Collection method: clinical testing. Allele origin: germline. Affected: no.
Comment: East Asian population allele frequency is 45.11% (rs760419097, 7953/16724 alleles, 327 homozygotes in gnomAD v2.1). Based on the classification scheme RMH Modified ACMG/AMP Guidelines v1.5.1, this variant is classified as BENIGN. Following criteria are met: BA1

GeneDx
Classification: Benign. Last evaluated: 2018-05-31. Review status: criteria provided, single submitter. Criteria: GeneDx Variant Classification Process June 2021. Collection method: clinical testing. Allele origin: germline. Affected: yes.

NM_003119.4(SPG7):c.184-4del

Gene: SPG7 (SPG7 matrix AAA peptidase subunit, paraplegin; plus strand). Cytogenetic location: 16q24.3.
Variant type: Deletion.
Coding change: c.184-4del on transcript NM_003119.4 (MANE Select); 4 bases into the intron before coding-DNA position 184, one base deleted (T; older notation c.184-4delT).
Molecular consequence: intron variant.
Genome position (GRCh38, 1-based): chr16:89,510,486, T deleted; the last of 15 consecutive T bases (chr16:89,510,472-89,510,486); deleting any one gives the same sequence. VCF-style (leftmost placement, unchanged base first): chr16-89510471-GT-G. GRCh37 (hg19) VCF-style: chr16-89576879-GT-G.
Other names: c.184-4delT (NM_003119.4); c.184-4del (NM_001363850.1, NM_199367.3).
Identifiers: ClinVar variation 516996 (VCV000516996.5), dbSNP rs5818722, ClinGen allele CA8243444.